The following is an entry in ClinVar:

ClinVar aggregate classification (germline): Uncertain significance (1 of 4 stars; one submission).

Conditions:
Atrioventricular septal defect 5 (AVSD5). Identifiers: MedGen C3280939, MONDO:0013769, OMIM 614474.

Submission:

Labcorp Genetics (formerly Invitae), Labcorp
Classification: Uncertain significance for Atrioventricular septal defect 5. Last evaluated: 2020-06-16. Review status: criteria provided, single submitter. Criteria: Invitae Variant Classification Sherloc (09022015). Collection method: clinical testing. Allele origin: germline.
Comment: This sequence change replaces asparagine with aspartic acid at codon 446 of the GATA6 protein (p.Asn446Asp). The asparagine residue is highly conserved and there is a small physicochemical difference between asparagine and aspartic acid. This variant is not present in population databases (ExAC no frequency). This variant has not been reported in the literature in individuals with GATA6-related conditions. Algorithms developed to predict the effect of missense changes on protein structure and function are either unavailable or do not agree on the potential impact of this missense change (SIFT: "Deleterious"; PolyPhen-2: "Probably Damaging"; Align-GVGD: "Class C0"). In summary, the available evidence is currently insufficient to determine the role of this variant in disease. Therefore, it has been classified as a Variant of Uncertain Significance.

NM_005257.6(GATA6):c.1336A>G (p.Asn446Asp)

Gene: GATA6 (GATA binding protein 6; plus strand). Cytogenetic location: 18q11.2.
Variant type: single nucleotide variant.
Coding change: c.1336A>G on transcript NM_005257.6 (MANE Select); coding-DNA position 1336, A replaced by G.
Protein change: p.Asn446Asp; replaces asparagine 446 with aspartic acid.
Molecular consequence: missense variant.
Genome position (GRCh38, 1-based): chr18:22,181,486, A>G. VCF-style: chr18-22181486-A-G. GRCh37 (hg19) VCF-style: chr18-19761447-A-G.
Other names: short protein forms N446D.
Identifiers: ClinVar variation 1064407 (VCV001064407.9), dbSNP rs2143300702, ClinGen allele CA401802336.
Genomic context (GRCh38, chr18:22,181,486, plus strand): 5'-CCACTTATGTTCTTGTACTGTTTCTAGCCTTCATCACGGCGGCTTGGATTGTCCTGTGCC[A>G]ACTGTCACACCACAACTACCACCTTATGGCGCAGAAACGCCGAGGGTGAACCCGTGTGCA-3'
Protein context (NP_005248.2, residues 436-456): SSRRLGLSCA[Asn446Asp]CHTTTTTLWR